The following is an entry in ClinVar:

ClinVar aggregate classification (germline): conflicting data from submitters (0 of 4 stars; one submission).

Submission:

ISCA site 1
Classification: conflicting data from submitters. Last evaluated: 2016-02-01. Review status: no assertion criteria provided. Collection method: clinical testing. Allele origin: maternal, unknown. Affected: yes. Observed: 2 variant alleles.
Comment: Uncertain significance(1), Likely benign (1)

Copy number variation identified through the course of routine clinical cytogenomic testing in postnatal populations, with clinical assertions as classified by the original submitter. For data from the original published study, Kaminsky, et al. 2011 (PubMed 21844811), please see nstd101.

GRCh37/hg19 12p11.23(chr12:27282008-27793637)x3

Genes: BMAL2 (basic helix-loop-helix ARNT like 2; plus strand), PPFIBP1 (PPFIA binding protein 1; plus strand), SMCO2 (single-pass membrane protein with coiled-coil domains 2; plus strand), STK38L (serine/threonine kinase 38 like; plus strand). Cytogenetic location: 12p11.23.
Variant type: copy number gain.
Change: copy number 3 (three copies instead of two) of chr12:27,282,008-27,793,637 (511.6 kb, GRCh37 coordinates, 1-based), cytogenetic band 12p11.23.
Identifiers: ClinVar variation 442372 (VCV000442372.2).